The following is an entry in ClinVar:

ClinVar aggregate classification (germline): Conflicting classifications of pathogenicity. Review status: criteria provided, conflicting classifications (1 of 4 stars). 3 submissions from 3 submitters: Uncertain significance (1); Benign (1). 1 of the submissions does not count toward it. Last evaluated 2023-03-01.

Conditions:
EHHADH-related disorder. Also called: EHHADH-related condition.

Allele frequency attached by ClinVar (database versions not stated): gnomAD exomes 0.00006 and 0.00017; 1000 Genomes Project 30x 0.00047; gnomAD 0.00064 and 0.00069; ExAC 0.00023; TOPMed 0.00063; ESP Exome Variant Server 0.00077; 1000 Genomes Project 0.00040.

Submissions (3):

Mayo Clinic Laboratories, Mayo Clinic
Classification: Benign. Last evaluated: 2023-03-01. Review status: criteria provided, single submitter. Criteria: ACMG Guidelines, 2015. Collection method: clinical testing. Allele origin: germline. Observed: 3 variant alleles.
Comment: BS1, BS2, BP4

Eurofins Ntd Llc (ga)
Classification: Uncertain significance. Last evaluated: 2018-07-05. Review status: criteria provided, single submitter. Criteria: EGL ClinVar v180209 classification definitions. Collection method: clinical testing. Allele origin: germline. Observed: 6 variant alleles, 6 heterozygotes.

PreventionGenetics, part of Exact Sciences
Classification: Likely benign for EHHADH-related condition. Last evaluated: 2022-03-01. Review status: no assertion criteria provided. Collection method: clinical testing. Allele origin: germline. Not counted in ClinVar's aggregate classification.
Comment: This variant is classified as likely benign based on ACMG/AMP sequence variant interpretation guidelines (Richards et al. 2015 PMID: 25741868, with internal and published modifications).

NM_001966.4(EHHADH):c.1814A>G (p.Lys605Arg)

Gene: EHHADH (enoyl-CoA hydratase and 3-hydroxyacyl CoA dehydrogenase; minus strand). Cytogenetic location: 3q27.2.
Variant type: single nucleotide variant.
Coding change: c.1814A>G on transcript NM_001966.4 (MANE Select); coding-DNA position 1814, A replaced by G.
Protein change: p.Lys605Arg; replaces lysine 605 with arginine.
Molecular consequence: missense variant.
Genome position (GRCh38, 1-based): chr3:185,192,584, T>C on the plus strand (A>G on the coding strand, the complement: EHHADH is on the minus strand). VCF-style: chr3-185192584-T-C. GRCh37 (hg19) VCF-style: chr3-184910372-T-C.
Other names: p.Lys605Arg; c.1526A>G, p.Lys509Arg (NM_001166415.2); c.1814A>G (NM_001966.3); short protein forms K605R, K509R.
Identifiers: ClinVar variation 501910 (VCV000501910.8), dbSNP rs140844253, ClinGen allele CA2738917.